The following is an entry in ClinVar:

NM_020975.6(RET):c.3187+3A>T

Gene: RET (ret proto-oncogene; plus strand). Cytogenetic location: 10q11.21.
Variant type: single nucleotide variant.
Coding change: c.3187+3A>T on transcript NM_020975.6 (MANE Select); 3 bases into the intron after coding-DNA position 3187, A replaced by T.
Molecular consequence: intron variant. On other transcripts: nonsense (18).
Genome position (GRCh38, 1-based): chr10:43,126,725, A>T. VCF-style: chr10-43126725-A-T. GRCh37 (hg19) VCF-style: chr10-43622173-A-T.
Other names: c.2428A>T, p.Arg810Ter (NM_001355216.2); c.3061A>T, p.Arg1021Ter (NM_001406764.1); c.3055A>T, p.Arg1019Ter (NM_001406765.1); c.2926A>T, p.Arg976Ter (NM_001406768.1); c.2902A>T, p.Arg968Ter (NM_001406770.1); c.2794A>T, p.Arg932Ter (NM_001406772.1); c.2752A>T, p.Arg918Ter (NM_001406773.1); c.2665A>T, p.Arg889Ter (NM_001406774.1); and 24 more; short protein forms R629*, R725*, R810*, R822*, R889*, R968*, R976*, R1019*.
Identifiers: ClinVar variation 2568341 (VCV002568341.2), dbSNP rs2133038158, ClinGen allele CA376558570.

ClinVar aggregate classification (germline): Uncertain significance (1 of 4 stars; one submission).

Conditions:
Hereditary cancer-predisposing syndrome. Also called: Hereditary neoplastic syndrome; Hereditary Cancer Syndrome; Neoplastic Syndromes, Hereditary; Tumor predisposition. Identifiers: Orphanet 140162, MedGen C0027672, MeSH D009386, MONDO:0015356.

Submission:

Ambry Genetics
Classification: Uncertain significance for Hereditary cancer-predisposing syndrome. Last evaluated: 2023-05-15. Review status: criteria provided, single submitter. Criteria: Ambry Variant Classification Scheme 2023. Collection method: clinical testing. Allele origin: germline.
Comment: The c.3187+3A>T intronic variant results from an A to T substitution 3 nucleotides after coding exon 19 in the RET gene. This nucleotide position is highly conserved in available vertebrate species. In silico splice site analysis predicts that this alteration may weaken the native splice donor site. Since supporting evidence is limited at this time, the clinical significance of this alteration remains unclear.